The following is an entry in ClinVar:

NM_006015.6(ARID1A):c.4324G>T (p.Ala1442Ser)

Gene: ARID1A (AT-rich interaction domain 1A; plus strand). Cytogenetic location: 1p36.11.
Variant type: single nucleotide variant.
Coding change: c.4324G>T on transcript NM_006015.6 (MANE Select); coding-DNA position 4324, G replaced by T.
Protein change: p.Ala1442Ser; replaces alanine 1442 with serine.
Molecular consequence: missense variant. On other transcripts: intron variant (1).
Genome position (GRCh38, 1-based): chr1:26,774,551, G>T. VCF-style: chr1-26774551-G-T. GRCh37 (hg19) VCF-style: chr1-27101042-G-T.
Other names: c.4102-429G>T (NM_139135.4); short protein forms A1442S.
Identifiers: ClinVar variation 4799010 (VCV004799010.1).

ClinVar aggregate classification (germline): Uncertain significance (1 of 4 stars; one submission).

Submission:

Labcorp Genetics (formerly Invitae), Labcorp
Classification: Uncertain significance. Last evaluated: 2025-10-02. Review status: criteria provided, single submitter. Criteria: Invitae Variant Classification Sherloc (09022015). Collection method: clinical testing. Allele origin: germline.
Comment: This sequence change replaces alanine, which is neutral and non-polar, with serine, which is neutral and polar, at codon 1442 of the ARID1A protein (p.Ala1442Ser). This variant is not present in population databases (gnomAD no frequency). This variant has not been reported in the literature in individuals affected with ARID1A-related conditions. Invitae Evidence Modeling of protein sequence and biophysical properties (such as structural, functional, and spatial information, amino acid conservation, physicochemical variation, residue mobility, and thermodynamic stability) indicates that this missense variant is not expected to disrupt ARID1A protein function with a negative predictive value of 80%. In summary, the available evidence is currently insufficient to determine the role of this variant in disease. Therefore, it has been classified as a Variant of Uncertain Significance.